The following is an entry in ClinVar:

ClinVar aggregate classification (germline): Uncertain significance (1 of 4 stars; one submission).

gnomAD v4.1: 1 of 1,406,678 alleles (0.000071%); no homozygotes.

Submission:

Dasa
Classification: Uncertain significance. Last evaluated: 2024-05-22. Review status: criteria provided, single submitter. Criteria: DASA Assertion Criteria. Collection method: clinical testing. Allele origin: germline.
Comment: NM_025114.4(CEP290):c.5409A>C (p.Glu1803Asp) is a missense variant that results in the substitution of glutamic acid with aspartic acid. This variant has been reported in individuals with CEP290-related disorders (PMID: 26667666). Also, this variant is rare in population databases. Computational prediction algorithms are consistent with a benign effect. The currently available literature and clinical evidence are not sufficient to establish a definitive association between this variant and the reported condition. Therefore, this variant is classified as a variant of uncertain significance.

Literature cited by the submitters: PubMed 26667666.

NM_025114.4(CEP290):c.5409A>C (p.Glu1803Asp)

Gene: CEP290 (centrosomal protein 290; minus strand). Cytogenetic location: 12q21.32.
Variant type: single nucleotide variant.
Coding change: c.5409A>C on transcript NM_025114.4 (MANE Select); coding-DNA position 5409, A replaced by C.
Protein change: p.Glu1803Asp; replaces glutamic acid 1803 with aspartic acid.
Molecular consequence: missense variant.
Genome position (GRCh38, 1-based): chr12:88,077,874, T>G on the plus strand (A>C on the coding strand, the complement: CEP290 is on the minus strand). VCF-style: chr12-88077874-T-G. GRCh37 (hg19) VCF-style: chr12-88471651-T-G.
Other names: short protein forms E1803D.
Identifiers: ClinVar variation 4882796 (VCV004882796.2).